The following is an entry in ClinVar:

NM_004168.4(SDHA):c.1659C>A (p.Asp553Glu)

Gene: SDHA (succinate dehydrogenase complex flavoprotein subunit A; plus strand). Cytogenetic location: 5p15.33.
Variant type: single nucleotide variant.
Coding change: c.1659C>A on transcript NM_004168.4 (MANE Select); coding-DNA position 1659, C replaced by A.
Protein change: p.Asp553Glu; replaces aspartic acid 553 with glutamic acid.
Molecular consequence: missense variant. On other transcripts: intron variant (1).
Genome position (GRCh38, 1-based): chr5:251,099, C>A. VCF-style: chr5-251099-C-A. GRCh37 (hg19) VCF-style: chr5-251214-C-A.
Other names: c.1515C>A, p.Asp505Glu (NM_001294332.2); c.1552-3294C>A (NM_001330758.2); short protein forms D505E, D553E.
Identifiers: ClinVar variation 1777407 (VCV001777407.4), dbSNP rs2477455502, ClinGen allele CA358998992.

ClinVar aggregate classification (germline): Uncertain significance. Review status: criteria provided, multiple submitters, no conflicts (2 of 4 stars). 2 submissions from 2 submitters: Uncertain significance (2). Last evaluated 2024-06-10.

Conditions:
Mitochondrial complex II deficiency, nuclear type 1. Also called: SUCCINATE CoQ REDUCTASE DEFICIENCY. Identifiers: Orphanet 3208, MedGen C5700310, MONDO:0100294, OMIM 252011.
Pheochromocytoma/paraganglioma syndrome 5. Also called: Paragangliomas 5; SDHA-Related Hereditary Paraganglioma-Pheochromocytoma Syndrome. Identifiers: Orphanet 29072, MedGen C3279992, MONDO:0013602, OMIM 614165.
Hereditary cancer-predisposing syndrome. Also called: Tumor predisposition; Hereditary Cancer Syndrome; Hereditary neoplastic syndrome; Neoplastic Syndromes, Hereditary. Identifiers: Orphanet 140162, MedGen C0027672, MeSH D009386, MONDO:0015356.

Submissions (2):

Labcorp Genetics (formerly Invitae), Labcorp
Classification: Uncertain significance for Pheochromocytoma/paraganglioma syndrome 5; Mitochondrial complex II deficiency, nuclear type 1. Last evaluated: 2024-06-10. Review status: criteria provided, single submitter. Criteria: Invitae Variant Classification Sherloc (09022015). Collection method: clinical testing. Allele origin: germline.
Comment: This sequence change replaces aspartic acid, which is acidic and polar, with glutamic acid, which is acidic and polar, at codon 553 of the SDHA protein (p.Asp553Glu). This variant is not present in population databases (gnomAD no frequency). This variant has not been reported in the literature in individuals affected with SDHA-related conditions. ClinVar contains an entry for this variant (Variation ID: 1777407). Advanced modeling of protein sequence and biophysical properties (such as structural, functional, and spatial information, amino acid conservation, physicochemical variation, residue mobility, and thermodynamic stability) has been performed at Invitae for this missense variant, however the output from this modeling did not meet the statistical confidence thresholds required to predict the impact of this variant on SDHA protein function. In summary, the available evidence is currently insufficient to determine the role of this variant in disease. Therefore, it has been classified as a Variant of Uncertain Significance.

Ambry Genetics
Classification: Uncertain significance for Hereditary cancer-predisposing syndrome. Last evaluated: 2020-03-14. Review status: criteria provided, single submitter. Criteria: Ambry Variant Classification Scheme 2023. Collection method: clinical testing. Allele origin: germline.
Comment: The p.D553E variant (also known as c.1659C>A), located in coding exon 12 of the SDHA gene, results from a C to A substitution at nucleotide position 1659. The aspartic acid at codon 553 is replaced by glutamic acid, an amino acid with highly similar properties. This amino acid position is highly conserved in available vertebrate species. In addition, the in silico prediction for this alteration is inconclusive. Since supporting evidence is limited at this time, the clinical significance of this alteration remains unclear.